The following is an entry in ClinVar:

NM_000548.5(TSC2):c.5068+29_5068+30insTAAAGGTAGGGCCGGGTGGGGCCCTGCAGTGCAGGAAAGGTAGGGCCGGGTGGGGCCCTGCAGTGCAG

Gene: TSC2 (TSC complex subunit 2; plus strand). Cytogenetic location: 16p13.3.
Variant type: Insertion.
Coding change: c.5068+29_5068+30insTAAAGGTAGGGCCGGGTGGGGCCCTGCAGTGCAGGAAAGGTAGGGCCGGGTGGGGCCCTGCAGTGCAG on transcript NM_000548.5 (MANE Select); bases 29 to 30 of the intron after coding-DNA position 5068, TAAAGGTAGGGCCGGGTGGGGCCCTGCAGTGCAGGAAAGGTAGGGCCGGGTGGGGCCCTGCAGTGCAG inserted.
Molecular consequence: splice donor variant.
Genome position: GRCh38: chr16:2,087,970-2,087,971. GRCh37 (hg19): chr16:2,137,971-2,137,972.
Other names: c.4957+29_4957+30insTAAAGGTAGGGCCGGGTGGGGCCCTGCAGTGCAGGAAAGGTAGGGCCGGGTGGGGCCCTGCAGTGCAG (NM_001406668.1); c.4468+29_4468+30insTAAAGGTAGGGCCGGGTGGGGCCCTGCAGTGCAGGAAAGGTAGGGCCGGGTGGGGCCCTGCAGTGCAG (NM_001406680.1); c.4399+29_4399+30insTAAAGGTAGGGCCGGGTGGGGCCCTGCAGTGCAGGAAAGGTAGGGCCGGGTGGGGCCCTGCAGTGCAG (NM_001406683.1, NM_001406682.1); c.4267+29_4267+30insTAAAGGTAGGGCCGGGTGGGGCCCTGCAGTGCAGGAAAGGTAGGGCCGGGTGGGGCCCTGCAGTGCAG (NM_001406687.1, NM_001406688.1); c.3655+29_3655+30insTAAAGGTAGGGCCGGGTGGGGCCCTGCAGTGCAGGAAAGGTAGGGCCGGGTGGGGCCCTGCAGTGCAG (NM_001406689.1); c.4939+29_4939+30insTAAAGGTAGGGCCGGGTGGGGCCCTGCAGTGCAGGAAAGGTAGGGCCGGGTGGGGCCCTGCAGTGCAG (NM_021055.3, NM_001370405.1); c.4870+29_4870+30insTAAAGGTAGGGCCGGGTGGGGCCCTGCAGTGCAGGAAAGGTAGGGCCGGGTGGGGCCCTGCAGTGCAG (NM_001363528.2); c.4990+29_4990+30insTAAAGGTAGGGCCGGGTGGGGCCCTGCAGTGCAGGAAAGGTAGGGCCGGGTGGGGCCCTGCAGTGCAG (NM_001406665.1); and 26 more.
Identifiers: ClinVar variation 3074251 (VCV003074251.1), dbSNP rs2544465076, ClinGen allele CA2825002348.

ClinVar aggregate classification (germline): Uncertain significance (1 of 4 stars; one submission).

Conditions:
Tuberous sclerosis syndrome (TSC). Also called: Tuberous Sclerosis Complex; Tuberous sclerosis. Identifiers: Orphanet 805, MedGen C0041341, MONDO:0001734.

Submission:

All of Us Research Program, National Institutes of Health
Classification: Uncertain significance for Tuberous sclerosis syndrome. Last evaluated: 2023-10-30. Review status: criteria provided, single submitter. Criteria: ACMG Guidelines, 2015. Collection method: clinical testing. Allele origin: germline. Inheritance: Autosomal dominant inheritance. Observed: 1 variant allele, 1 heterozygote.
Comment: This study involves interpretation of variants in research participants for the purpose of population health screening. Participant phenotype was not available at the time of variant classification. Additional details can be found in publication PMID: 35346344, PMCID: PMC8962531